The following is an entry in ClinVar:

NM_031935.3(HMCN1):c.15803G>A (p.Gly5268Glu)

Gene: HMCN1 (hemicentin 1; plus strand). Cytogenetic location: 1q31.1.
Variant type: single nucleotide variant.
Coding change: c.15803G>A on transcript NM_031935.3 (MANE Select); coding-DNA position 15803, G replaced by A.
Protein change: p.Gly5268Glu; replaces glycine 5268 with glutamic acid.
Molecular consequence: missense variant.
Genome position (GRCh38, 1-based): chr1:186,172,120, G>A. VCF-style: chr1-186172120-G-A. GRCh37 (hg19) VCF-style: chr1-186141252-G-A.
Other names: short protein forms G5268E.
Identifiers: ClinVar variation 2902954 (VCV002902954.3), dbSNP rs1268344564, ClinGen allele CA343934455.
Genomic context (GRCh38, chr1:186,172,120, plus strand): 5'-CCCGTGGTGGCTATAAGTGCATTGATCTTTGTCCAAATGGAATGACCAAGGCAGAAAATG[G>A]AACCTGTATTGGTGAGTGTCTGGCTGTTTCCGTGACTGAGATCAGTTTGCCGTCAACAAG-3'
Protein context (NP_114141.2, residues 5258-5278): CPNGMTKAEN[Gly5268Glu]TCIDIDECKD

ClinVar aggregate classification (germline): Uncertain significance (1 of 4 stars; one submission).

gnomAD v4.1: 13 of 1,613,764 alleles (0.00081%); highest among the groups gnomAD compares: Non-Finnish European, 0.0011%; no homozygotes.

Submission:

Labcorp Genetics (formerly Invitae), Labcorp
Classification: Uncertain significance. Last evaluated: 2023-08-31. Review status: criteria provided, single submitter. Criteria: Invitae Variant Classification Sherloc (09022015). Collection method: clinical testing. Allele origin: germline.
Comment: In summary, the available evidence is currently insufficient to determine the role of this variant in disease. Therefore, it has been classified as a Variant of Uncertain Significance. An algorithm developed to predict the effect of missense changes on protein structure and function (PolyPhen-2) suggests that this variant is likely to be disruptive. This variant has not been reported in the literature in individuals affected with HMCN1-related conditions. This variant is present in population databases (no rsID available, gnomAD 0.003%). This sequence change replaces glycine, which is neutral and non-polar, with glutamic acid, which is acidic and polar, at codon 5268 of the HMCN1 protein (p.Gly5268Glu).